The following is an entry in ClinVar:

NM_014991.6(WDFY3):c.10148G>T (p.Gly3383Val)

Gene: WDFY3 (WD repeat and FYVE domain containing 3; minus strand). Cytogenetic location: 4q21.23.
Variant type: single nucleotide variant.
Coding change: c.10148G>T on transcript NM_014991.6 (MANE Select); coding-DNA position 10148, G replaced by T.
Protein change: p.Gly3383Val; replaces glycine 3383 with valine.
Molecular consequence: missense variant.
Genome position (GRCh38, 1-based): chr4:84,678,279, C>A on the plus strand (G>T on the coding strand, the complement: WDFY3 is on the minus strand). VCF-style: chr4-84678279-C-A. GRCh37 (hg19) VCF-style: chr4-85599432-C-A.
Other names: short protein forms G3383V.
Identifiers: ClinVar variation 4539854 (VCV004539854.1).

ClinVar aggregate classification (germline): Uncertain significance (1 of 4 stars; one submission).

gnomAD v4.1: 24 of 1,611,484 alleles (0.0015%); highest among the groups gnomAD compares: Non-Finnish European, 0.002%; no homozygotes.

Submission:

GeneDx
Classification: Uncertain significance. Last evaluated: 2025-06-25. Review status: criteria provided, single submitter. Criteria: GeneDx Variant Classification Process June 2021. Collection method: clinical testing. Allele origin: germline. Affected: yes.
Comment: Not observed at significant frequency in large population cohorts (gnomAD); In silico analysis supports that this missense variant has a deleterious effect on protein structure/function; Has not been previously published as pathogenic or benign to our knowledge